The following is an entry in ClinVar:

ClinVar aggregate classification (germline): Benign/Likely benign. Review status: criteria provided, multiple submitters, no conflicts (2 of 4 stars). 2 submissions from 2 submitters: Benign (1); Likely benign (1). Last evaluated 2017-04-15.

Conditions:
Wolfram syndrome 1 (WFS1). Identifiers: Orphanet 3463, MedGen C4551693, MONDO:0009101, OMIM 222300.

Allele frequency attached by ClinVar (database versions not stated): gnomAD exomes below 0.00001; TOPMed below 0.00001.
gnomAD v4.1: 1 of 1,614,158 alleles (0.000062%); highest among the groups gnomAD compares: Non-Finnish European, 0.000085%; no homozygotes.

Submissions (2):

GeneDx
Classification: Likely benign. Last evaluated: 2017-04-15. Review status: criteria provided, single submitter. Criteria: GeneDx Variant Classification (06012015). Collection method: clinical testing. Allele origin: germline. Affected: yes.
Comment: This variant is considered likely benign or benign based on one or more of the following criteria: it is a conservative change, it occurs at a poorly conserved position in the protein, it is predicted to be benign by multiple in silico algorithms, and/or has population frequency not consistent with disease.

Clinical Genomics, Uppaluri K&H Personalized Medicine Clinic
Classification: Benign for Wolfram syndrome 1. Review status: criteria provided, single submitter. Criteria: K & H Uppaluri Personalized Medicine Clinic Variant Classification & Assertion Criteria_Updated V.1. Collection method: research. Allele origin: unknown. Inheritance: Autosomal recessive inheritance.
Comment: Potent mutations in WFS1 gene are associated with Wolfram's syndrome, an autosomal recessive condition, which cause diabetes mellitus, diabetes insipidus, deafness and optic atrophy. However no sufficient evidence is found to ascertain the role of this particular variant rs1553878726 in Wolfram's syndrome yet.

Literature cited by the submitters: PubMed 20738327 (cited by Clinical Genomics, Uppaluri K&H Personalized Medicine Clinic); PubMed 33879153 (cited by Clinical Genomics, Uppaluri K&H Personalized Medicine Clinic); PubMed 12955714 (cited by Clinical Genomics, Uppaluri K&H Personalized Medicine Clinic); PubMed 18060660 (cited by Clinical Genomics, Uppaluri K&H Personalized Medicine Clinic); PubMed 20301750 (cited by Clinical Genomics, Uppaluri K&H Personalized Medicine Clinic); PubMed 17603484 (cited by Clinical Genomics, Uppaluri K&H Personalized Medicine Clinic).

NM_006005.3(WFS1):c.1818G>A (p.Val606=)

Gene: WFS1 (wolframin ER transmembrane glycoprotein; plus strand). Cytogenetic location: 4p16.1.
Variant type: single nucleotide variant.
Coding change: c.1818G>A on transcript NM_006005.3 (MANE Select); coding-DNA position 1818, G replaced by A.
Protein change: p.Val606=; no amino-acid change (valine 606 retained).
Molecular consequence: synonymous variant.
Genome position (GRCh38, 1-based): chr4:6,301,613, G>A. VCF-style: chr4-6301613-G-A. GRCh37 (hg19) VCF-style: chr4-6303340-G-A.
Other names: c.1818G>A, p.Val606= (NM_001145853.1).
Identifiers: ClinVar variation 508757 (VCV000508757.2), dbSNP rs1553878726, ClinGen allele CA438368434.
Genomic context (GRCh38, chr4:6,301,613, plus strand): 5'-CCGGTGGTTCACGTCTCTGGAGCTCACCAAGATCGCAGTCACCGTGGCGGTCTGTAGTGT[G>A]CCCCTGCTGTTGCGCTGGTGGACCAAGGCCAGCTTCTCTGTGGTGGGGATGGTGAAGTCC-3'
Protein context (NP_005996.2, residues 596-616): KIAVTVAVCS[Val606=]PLLLRWWTKA